The following is an entry in ClinVar:

NM_006031.6(PCNT):c.9233A>G (p.Lys3078Arg)

Gene: PCNT (pericentrin; plus strand). Cytogenetic location: 21q22.3.
Variant type: single nucleotide variant.
Coding change: c.9233A>G on transcript NM_006031.6 (MANE Select); coding-DNA position 9233, A replaced by G.
Protein change: p.Lys3078Arg; replaces lysine 3078 with arginine.
Molecular consequence: missense variant.
Genome position (GRCh38, 1-based): chr21:46,438,297, A>G. VCF-style: chr21-46438297-A-G. GRCh37 (hg19) VCF-style: chr21-47858210-A-G.
Other names: c.8642A>G, p.Lys2881Arg (NM_001315529.2); short protein forms K3078R, K2881R.
Identifiers: ClinVar variation 3210388 (VCV003210388.2), dbSNP rs772821527, ClinGen allele CA10081236.

ClinVar aggregate classification (germline): Uncertain significance. Review status: criteria provided, multiple submitters, no conflicts (2 of 4 stars). 2 submissions from 2 submitters: Uncertain significance (2). Last evaluated 2025-04-24.

Conditions:
PCNT-related disorder. Also called: PCNT-related condition.
Inborn genetic diseases. Identifiers: MedGen C0950123, MeSH D030342.

Allele frequency attached by ClinVar (database versions not stated): TOPMed below 0.00001; gnomAD 0.00005; gnomAD exomes 0.00006; ExAC 0.00007.
gnomAD v4.1: 91 of 1,614,086 alleles (0.0056%); highest among the groups gnomAD compares: South Asian, 0.065%; no homozygotes.

Submissions (2):

PreventionGenetics, part of Exact Sciences
Classification: Uncertain significance for PCNT-related condition. Last evaluated: 2025-04-24. Review status: criteria provided, single submitter. Criteria: ACMG Guidelines, 2015. Collection method: clinical testing. Allele origin: germline.
Comment: The PCNT c.9233A>G variant is predicted to result in the amino acid substitution p.Lys3078Arg. To our knowledge, this variant has not been reported in the literature. This variant is reported in 0.059% of alleles in individuals of South Asian descent in gnomAD. Although we suspect that this variant may be benign, at this time, the clinical significance of this variant is uncertain due to the absence of conclusive functional and genetic evidence.

Ambry Genetics
Classification: Uncertain significance for Inborn genetic diseases. Last evaluated: 2023-02-14. Review status: criteria provided, single submitter. Criteria: Ambry Variant Classification Scheme 2023. Collection method: clinical testing. Allele origin: germline.